The following is an entry in ClinVar:

NM_004035.7(ACOX1):c.1312del (p.Ser438fs)

Gene: ACOX1 (acyl-CoA oxidase 1; minus strand). Cytogenetic location: 17q25.1.
Variant type: Deletion.
Coding change: c.1312del on transcript NM_004035.7 (MANE Select); coding-DNA position 1312, one base deleted (A; older notation c.1312delA).
Protein change: p.Ser438fs; shifts the reading frame from serine 438.
Molecular consequence: frameshift variant.
Genome position (GRCh38, 1-based): chr17:75,949,884, T deleted on the plus strand (A on the coding strand, the reverse complement: ACOX1 is on the minus strand); the first of 4 consecutive T bases (chr17:75,949,884-75,949,887); deleting any one gives the same sequence. VCF-style (leftmost placement, unchanged base first): chr17-75949883-CT-C. GRCh37 (hg19) VCF-style: chr17-73945964-CT-C.
Other names: c.1198del, p.Ser400fs (NM_001185039.2); c.1312del, p.Ser438fs (NM_007292.6); short protein forms S400fs, S438fs.
Identifiers: ClinVar variation 1075695 (VCV001075695.8), dbSNP rs747192384, ClinGen allele CA8776799.

ClinVar aggregate classification (germline): Pathogenic/Likely pathogenic. Review status: criteria provided, multiple submitters, no conflicts (2 of 4 stars). 2 submissions from 2 submitters: Pathogenic (1); Likely pathogenic (1). Last evaluated 2023-08-23.

Conditions:
Mitchell syndrome. Identifiers: Orphanet 631248, MedGen C5394554, MONDO:0030073, OMIM 618960.
Acyl-CoA oxidase deficiency. Also called: STRAIGHT-CHAIN ACYL-CoA OXIDASE DEFICIENCY; Pseudoneonatal adrenoleukodystrophy; Peroxisomal acyl-CoA oxidase deficiency. Identifiers: Orphanet 2971, MedGen C1849678, MONDO:0009919, OMIM 264470. Disease mechanism: loss of function.

Submissions (2):

Baylor Genetics
Classification: Likely pathogenic for Mitchell syndrome. Last evaluated: 2023-08-23. Review status: criteria provided, single submitter. Criteria: ACMG Guidelines, 2015. Collection method: clinical testing. Allele origin: unknown.

Labcorp Genetics (formerly Invitae), Labcorp
Classification: Pathogenic for Acyl-CoA oxidase deficiency. Last evaluated: 2020-08-29. Review status: criteria provided, single submitter. Criteria: Invitae Variant Classification Sherloc (09022015). Collection method: clinical testing. Allele origin: germline.
Comment: This sequence change creates a premature translational stop signal (p.Ser438Valfs*18) in the ACOX1 gene. It is expected to result in an absent or disrupted protein product. For these reasons, this variant has been classified as Pathogenic. Loss-of-function variants in ACOX1 are known to be pathogenic (PMID: 8040306, 17458872). This variant has not been reported in the literature in individuals with ACOX1-related conditions. The frequency data for this variant in the population databases is considered unreliable, as metrics indicate poor data quality at this position in the ExAC database.

Literature cited by the submitters: PubMed 8040306 (cited by Labcorp Genetics (formerly Invitae), Labcorp); PubMed 17458872 (cited by Labcorp Genetics (formerly Invitae), Labcorp).